The following is an entry in ClinVar:

NM_000264.5(PTCH1):c.166T>C (p.Cys56Arg)

Gene: PTCH1 (patched 1; minus strand). Cytogenetic location: 9q22.32.
Variant type: single nucleotide variant.
Coding change: c.166T>C on transcript NM_000264.5 (MANE Select); coding-DNA position 166, T replaced by C.
Protein change: p.Cys56Arg; replaces cysteine 56 with arginine.
Molecular consequence: missense variant. On other transcripts: non-coding transcript variant (1), intron variant (3).
Genome position (GRCh38, 1-based): chr9:95,508,196, A>G on the plus strand (T>C on the coding strand, the complement: PTCH1 is on the minus strand). VCF-style: chr9-95508196-A-G. GRCh37 (hg19) VCF-style: chr9-98270478-A-G.
Other names: c.166T>C, p.Cys56Arg (NM_001354918.2); c.199-1597T>C (NM_001083603.3); c.4-1597T>C (NM_001083602.3, NM_001354919.2); short protein forms C56R.
Identifiers: ClinVar variation 2991916 (VCV002991916.4), dbSNP rs1340609158, ClinGen allele CA374121314.

ClinVar aggregate classification (germline): Uncertain significance. Review status: criteria provided, multiple submitters, no conflicts (2 of 4 stars). 2 submissions from 2 submitters: Uncertain significance (2). Last evaluated 2026-09-14.

Conditions:
Gorlin syndrome. Also called: Nevoid Basal Cell Carcinoma Syndrome; Basal cell nevus syndrome. Identifiers: Orphanet 377, MedGen C0004779, MONDO:0007187.
Hereditary cancer-predisposing syndrome. Also called: Hereditary Cancer Syndrome; Hereditary neoplastic syndrome; Neoplastic Syndromes, Hereditary; Tumor predisposition. Identifiers: Orphanet 140162, MedGen C0027672, MeSH D009386, MONDO:0015356.

Submissions (2):

Ambry Genetics
Classification: Uncertain significance for Hereditary cancer-predisposing syndrome. Last evaluated: 2026-09-14. Review status: criteria provided, single submitter. Criteria: Ambry Variant Classification Scheme 2023. Collection method: clinical testing. Allele origin: germline.
Comment: The p.C56R variant (also known as c.166T>C), located in coding exon 1 of the PTCH1 gene, results from a T to C substitution at nucleotide position 166. The cysteine at codon 56 is replaced by arginine, an amino acid with highly dissimilar properties. This amino acid position is conserved. In addition, this alteration is predicted to be deleterious by in silico analysis. Based on the available evidence, the clinical significance of this variant remains unclear.

Labcorp Genetics (formerly Invitae), Labcorp
Classification: Uncertain significance for Gorlin syndrome. Last evaluated: 2023-02-16. Review status: criteria provided, single submitter. Criteria: Invitae Variant Classification Sherloc (09022015). Collection method: clinical testing. Allele origin: germline.
Comment: In summary, the available evidence is currently insufficient to determine the role of this variant in disease. Therefore, it has been classified as a Variant of Uncertain Significance. Advanced modeling of protein sequence and biophysical properties (such as structural, functional, and spatial information, amino acid conservation, physicochemical variation, residue mobility, and thermodynamic stability) has been performed at Invitae for this missense variant, however the output from this modeling did not meet the statistical confidence thresholds required to predict the impact of this variant on PTCH1 protein function. This variant has not been reported in the literature in individuals affected with PTCH1-related conditions. This variant is not present in population databases (gnomAD no frequency). This sequence change replaces cysteine, which is neutral and slightly polar, with arginine, which is basic and polar, at codon 56 of the PTCH1 protein (p.Cys56Arg).